The following is an entry in ClinVar:

NM_001042492.3(NF1):c.4110+955C>G

Gene: NF1 (neurofibromin 1; plus strand). Cytogenetic location: 17q11.2.
Variant type: single nucleotide variant.
Coding change: c.4110+955C>G on transcript NM_001042492.3 (MANE Select); 955 bases into the intron after coding-DNA position 4110, C replaced by G.
Molecular consequence: intron variant.
Genome position (GRCh38, 1-based): chr17:31,250,074, C>G. VCF-style: chr17-31250074-C-G. GRCh37 (hg19) VCF-style: chr17-29577092-C-G.
Other names: c.4110+955C>G (NM_000267.4).
Identifiers: ClinVar variation 3030016 (VCV003030016.2), dbSNP rs2067469105, ClinGen allele CA2255567482.

ClinVar aggregate classification (germline): Likely benign (0 of 4 stars; one submission).

Conditions:
NF1-related disorder. Also called: NF1-related condition. Identifiers: MedGen CN379171.

Allele frequency attached by ClinVar (database versions not stated): gnomAD exomes 0.00001; TOPMed 0.00001.
gnomAD v4.1: 4 of 484,184 alleles (0.00083%); highest among the groups gnomAD compares: Admixed American, 0.0073%; no homozygotes.

Submission:

PreventionGenetics, part of Exact Sciences
Classification: Likely benign for NF1-related condition. Last evaluated: 2024-01-03. Review status: no assertion criteria provided. Collection method: clinical testing. Allele origin: germline.
Comment: This variant is classified as likely benign based on ACMG/AMP sequence variant interpretation guidelines (Richards et al. 2015 PMID: 25741868, with internal and published modifications).